The following is an entry in ClinVar:

ClinVar aggregate classification (germline): Pathogenic (0 of 4 stars; one submission).

Conditions:
Fragile X syndrome. Also called: Fragile X syndrome, type A; X-LINKED MENTAL RETARDATION AND MACROORCHIDISM; MARKER X SYNDROME; MARTIN-BELL SYNDROME; MENTAL RETARDATION, X-LINKED, ASSOCIATED WITH marXq28; Fra(X) syndrome. Identifiers: Orphanet 449291, Orphanet 908, MedGen C0016667, MONDO:0010383, OMIM 300624. Disease mechanism: loss of function.

Submission:

MIND Institute, Wet lab, University of California Davis
Classification: Pathogenic for Fragile X syndrome. Last evaluated: 2013-04-23. Review status: no assertion criteria provided. Collection method: clinical testing. Allele origin: germline. Inheritance: X-linked inheritance. Affected: yes. Observed: 1 variant allele, 1 hemizygote.
Comment: Typical fragile X features including ID and behavioral problems

NC_000006.11:g.146735206_147036914del301709

Genes: ADGB (androglobin; plus strand), ADGB-DT (ADGB divergent transcript; minus strand), GRM1 (glutamate metabotropic receptor 1; plus strand), RAB32 (RAB32, member RAS oncogene family; plus strand), LOC114004398 (Sharpr-MPRA regulatory region 4102; plus strand) and 1 more. Cytogenetic location: 6q24.3.
Variant type: Deletion.
Identifiers: ClinVar variation 242923 (VCV000242923.2).